The following is an entry in ClinVar:

ClinVar aggregate classification (germline): Uncertain significance (1 of 4 stars; one submission).

Conditions:
Early-infantile DEE. Also called: Early infantile epileptic encephalopathy with suppression bursts; Early infantile epileptic encephalopathy; Ohtahara syndrome. Identifiers: Orphanet 1934, MedGen C0393706, MONDO:0800491.

Allele frequency attached by ClinVar (database versions not stated): gnomAD exomes below 0.00001; TOPMed below 0.00001.
gnomAD v4.1: 1 of 1,614,078 alleles (0.000062%); highest among the groups gnomAD compares: Non-Finnish European, 0.000085%; no homozygotes.

Submission:

Labcorp Genetics (formerly Invitae), Labcorp
Classification: Uncertain significance for Early-infantile DEE. Last evaluated: 2023-09-10. Review status: criteria provided, single submitter. Criteria: Invitae Variant Classification Sherloc (09022015). Collection method: clinical testing. Allele origin: germline.
Comment: This variant is not present in population databases (gnomAD no frequency). ClinVar contains an entry for this variant (Variation ID: 2191975). This sequence change replaces glutamine, which is neutral and polar, with arginine, which is basic and polar, at codon 1220 of the SPTAN1 protein (p.Gln1220Arg). Advanced modeling of protein sequence and biophysical properties (such as structural, functional, and spatial information, amino acid conservation, physicochemical variation, residue mobility, and thermodynamic stability) has been performed at Invitae for this missense variant, however the output from this modeling did not meet the statistical confidence thresholds required to predict the impact of this variant on SPTAN1 protein function. In summary, the available evidence is currently insufficient to determine the role of this variant in disease. Therefore, it has been classified as a Variant of Uncertain Significance. This variant has not been reported in the literature in individuals affected with SPTAN1-related conditions.

NM_001130438.3(SPTAN1):c.3659A>G (p.Gln1220Arg)

Gene: SPTAN1 (spectrin alpha, non-erythrocytic 1; plus strand). Cytogenetic location: 9q34.11.
Variant type: single nucleotide variant.
Coding change: c.3659A>G on transcript NM_001130438.3 (MANE Select); coding-DNA position 3659, A replaced by G.
Protein change: p.Gln1220Arg; replaces glutamine 1220 with arginine.
Molecular consequence: missense variant.
Genome position (GRCh38, 1-based): chr9:128,604,357, A>G. VCF-style: chr9-128604357-A-G. GRCh37 (hg19) VCF-style: chr9-131366636-A-G.
Other names: c.3599A>G, p.Gln1200Arg (NM_001195532.2, NM_001363765.2, NM_001375314.2); c.3659A>G, p.Gln1220Arg (NM_001363759.2, NM_001375310.1, NM_001375311.2 and 2 more transcripts); c.3695A>G, p.Gln1232Arg (NM_001375312.2, NM_001375318.1); short protein forms Q1220R, Q1232R, Q1200R.
Identifiers: ClinVar variation 2191975 (VCV002191975.4), dbSNP rs1855551183, ClinGen allele CA375063298.
Genomic context (GRCh38, chr9:128,604,357, plus strand): 5'-AGTGGAGCTGATGTTTTGCTGTCCTGCAGGAGCTGAATGAGCGCTGGCGGTCCCTACAGC[A>G]GCTGGCCGAGGAACGGAGCCAGCTCTTGGGCAGCGCCCATGAAGTACAGAGGTTCCACAG-3'
Protein context (NP_001123910.1, residues 1210-1230): ELNERWRSLQ[Gln1220Arg]LAEERSQLLG